The following is an entry in ClinVar:

ClinVar aggregate classification (germline): Uncertain significance. Review status: criteria provided, multiple submitters, no conflicts (2 of 4 stars). 2 submissions from 2 submitters: Uncertain significance (2). Last evaluated 2024-05-05.

Conditions:
Rhabdoid tumor predisposition syndrome 2 (RTPS2). Identifiers: Orphanet 231108, Orphanet 69077, MedGen C2750074, MONDO:0013224, OMIM 613325.
Hereditary cancer-predisposing syndrome. Also called: Hereditary Cancer Syndrome; Neoplastic Syndromes, Hereditary; Tumor predisposition; Hereditary neoplastic syndrome. Identifiers: Orphanet 140162, MedGen C0027672, MeSH D009386, MONDO:0015356.

Allele frequency attached by ClinVar (database versions not stated): gnomAD exomes below 0.00001; gnomAD 0.00001.
gnomAD v4.1: 2 of 1,613,276 alleles (0.00012%); highest among the groups gnomAD compares: African/African-American, 0.0013%; no homozygotes.

Submissions (2):

Ambry Genetics
Classification: Uncertain significance for Hereditary cancer-predisposing syndrome. Last evaluated: 2024-05-05. Review status: criteria provided, single submitter. Criteria: Ambry Variant Classification Scheme 2023. Collection method: clinical testing. Allele origin: germline.
Comment: The p.V1210M variant (also known as c.3628G>A), located in coding exon 25 of the SMARCA4 gene, results from a G to A substitution at nucleotide position 3628. The valine at codon 1210 is replaced by methionine, an amino acid with highly similar properties. This amino acid position is highly conserved in available vertebrate species. In addition, this alteration is predicted to be deleterious by in silico analysis. Since supporting evidence is limited at this time, the clinical significance of this alteration remains unclear.

Labcorp Genetics (formerly Invitae), Labcorp
Classification: Uncertain significance for Rhabdoid tumor predisposition syndrome 2. Last evaluated: 2023-10-08. Review status: criteria provided, single submitter. Criteria: Invitae Variant Classification Sherloc (09022015). Collection method: clinical testing. Allele origin: germline.
Comment: This sequence change replaces valine, which is neutral and non-polar, with methionine, which is neutral and non-polar, at codon 1210 of the SMARCA4 protein (p.Val1210Met). This variant is present in population databases (no rsID available, gnomAD 0.01%). This variant has not been reported in the literature in individuals affected with SMARCA4-related conditions. ClinVar contains an entry for this variant (Variation ID: 480620). Advanced modeling of protein sequence and biophysical properties (such as structural, functional, and spatial information, amino acid conservation, physicochemical variation, residue mobility, and thermodynamic stability) performed at Invitae indicates that this missense variant is expected to disrupt SMARCA4 protein function. In summary, the available evidence is currently insufficient to determine the role of this variant in disease. Therefore, it has been classified as a Variant of Uncertain Significance.

NM_003072.5(SMARCA4):c.3628G>A (p.Val1210Met)

Gene: SMARCA4 (SWI/SNF related BAF chromatin remodeling complex subunit ATPase 4; plus strand). Cytogenetic location: 19p13.2.
Variant type: single nucleotide variant.
Coding change: c.3628G>A on transcript NM_003072.5 (MANE Select); coding-DNA position 3628, G replaced by A.
Protein change: p.Val1210Met; replaces valine 1210 with methionine.
Molecular consequence: missense variant. On other transcripts: non-coding transcript variant (1).
Genome position (GRCh38, 1-based): chr19:11,033,371, G>A. VCF-style: chr19-11033371-G-A. GRCh37 (hg19) VCF-style: chr19-11144047-G-A.
Other names: c.3628G>A, p.Val1210Met (NM_001128844.3, NM_001128845.2, NM_001128846.2 and 5 more transcripts); short protein forms V1210M.
Identifiers: ClinVar variation 480620 (VCV000480620.9), dbSNP rs1358760766, ClinGen allele CA404065479.
Genomic context (GRCh38, chr19:11,033,371, plus strand): 5'-GCCCACCGCATCGGGCAGCAGAACGAGGTGCGTGTGCTCCGCCTCTGCACCGTCAACAGC[G>A]TGGAGGAGAAGATCCTAGCTGCAGCCAAGTACAAGCTCAACGTGGACCAGAAGGTGATCC-3'
Protein context (NP_003063.2, residues 1200-1220): RVLRLCTVNS[Val1210Met]EEKILAAAKY